The following is an entry in ClinVar:

NM_032217.5(ANKRD17):c.430A>C (p.Asn144His)

Gene: ANKRD17 (ankyrin repeat domain 17; minus strand). Cytogenetic location: 4q13.3.
Variant type: single nucleotide variant.
Coding change: c.430A>C on transcript NM_032217.5 (MANE Select); coding-DNA position 430, A replaced by C.
Protein change: p.Asn144His; replaces asparagine 144 with histidine.
Molecular consequence: missense variant.
Genome position (GRCh38, 1-based): chr4:73,177,497, T>G on the plus strand (A>C on the coding strand, the complement: ANKRD17 is on the minus strand). VCF-style: chr4-73177497-T-G. GRCh37 (hg19) VCF-style: chr4-74043214-T-G.
Other names: c.91A>C, p.Asn31His (NM_001286771.3); c.430A>C, p.Asn144His (NM_015574.2, NM_198889.3); short protein forms N144H, N31H.
Identifiers: ClinVar variation 3389951 (VCV003389951.14).

ClinVar aggregate classification (germline): Uncertain significance (1 of 4 stars; one submission).

Submission:

CeGaT Center for Human Genetics Tuebingen
Classification: Uncertain significance. Last evaluated: 2024-10-01. Review status: criteria provided, single submitter. Criteria: CeGaT Center For Human Genetics Tuebingen Variant Classification Criteria Version 2. Collection method: clinical testing. Allele origin: germline. Affected: yes. Observed: 1 variant allele.
Comment: ANKRD17: PM2